The following is an entry in ClinVar:

NM_000368.5(TSC1):c.3029A>G (p.Glu1010Gly)

Gene: TSC1 (TSC complex subunit 1; minus strand). Cytogenetic location: 9q34.13.
Variant type: single nucleotide variant.
Coding change: c.3029A>G on transcript NM_000368.5 (MANE Select); coding-DNA position 3029, A replaced by G.
Protein change: p.Glu1010Gly; replaces glutamic acid 1010 with glycine.
Molecular consequence: missense variant.
Genome position (GRCh38, 1-based): chr9:132,896,701, T>C on the plus strand (A>G on the coding strand, the complement: TSC1 is on the minus strand). VCF-style: chr9-132896701-T-C. GRCh37 (hg19) VCF-style: chr9-135772088-T-C.
Other names: c.2873A>G, p.Glu958Gly (NM_001406611.1, NM_001406612.1); c.2831A>G, p.Glu944Gly (NM_001406613.1); c.2666A>G, p.Glu889Gly (NM_001406614.1, NM_001406615.1, NM_001406616.1 and 4 more transcripts); c.2663A>G, p.Glu888Gly (NM_001406620.1, NM_001406621.1, NM_001406622.1 and 1 more transcripts); c.3026A>G, p.Glu1009Gly (NM_001162426.2, NM_001406597.1, NM_001406598.1 and 2 more transcripts); c.2876A>G, p.Glu959Gly (NM_001162427.2, NM_001406610.1); c.3029A>G, p.Glu1010Gly (NM_001406592.1, NM_001406593.1, NM_001406594.1 and 2 more transcripts); c.3014A>G, p.Glu1005Gly (NM_001406601.1, NM_001406602.1); and 8 more; short protein forms E1005G, E692G, E693G, E959G, E1004G, E875G, E888G, E944G.
Identifiers: ClinVar variation 1916220 (VCV001916220.7), dbSNP rs1267230279, ClinGen allele CA375367811.

ClinVar aggregate classification (germline): Conflicting classifications of pathogenicity. Review status: criteria provided, conflicting classifications (1 of 4 stars). 3 submissions from 3 submitters: Uncertain significance (2); Likely benign (1). Last evaluated 2025-12-01.

Conditions:
Hereditary cancer-predisposing syndrome. Also called: Neoplastic Syndromes, Hereditary; Tumor predisposition; Hereditary neoplastic syndrome; Hereditary Cancer Syndrome. Identifiers: Orphanet 140162, MedGen C0027672, MeSH D009386, MONDO:0015356.
Tuberous sclerosis syndrome (TSC). Also called: Tuberous sclerosis; Tuberous Sclerosis Complex. Identifiers: Orphanet 805, MedGen C0041341, MONDO:0001734.
Tuberous sclerosis 1 (TSC1). Identifiers: Orphanet 805, MedGen C1854465, MONDO:0008612, OMIM 191100.

Allele frequency attached by ClinVar (database versions not stated): TOPMed below 0.00001; gnomAD exomes 0.00001.
gnomAD v4.1: 7 of 1,614,006 alleles (0.00043%); highest among the groups gnomAD compares: East Asian, 0.016%; no homozygotes.

Submissions (3):

Labcorp Genetics (formerly Invitae), Labcorp
Classification: Likely benign for Tuberous sclerosis 1. Last evaluated: 2025-12-01. Review status: criteria provided, single submitter. Criteria: Invitae Variant Classification Sherloc (09022015). Collection method: clinical testing. Allele origin: germline.

All of Us Research Program, National Institutes of Health
Classification: Uncertain significance for Tuberous sclerosis syndrome. Last evaluated: 2024-05-30. Review status: criteria provided, single submitter. Criteria: ACMG Guidelines, 2015. Collection method: clinical testing. Allele origin: germline. Inheritance: Autosomal dominant inheritance. Observed: 1 variant allele, 1 heterozygote.
Comment: This missense variant replaces glutamic acid with glycine at codon 1010 of the TSC1 protein. Computational prediction suggests that this variant may not impact protein structure and function. To our knowledge, functional studies have not been reported for this variant. This variant has not been reported in individuals affected with TSC1-related disorders in the literature. This variant has been identified in 1/249682 chromosomes in the general population by the Genome Aggregation Database (gnomAD). The available evidence is insufficient to determine the role of this variant in disease conclusively. Therefore, this variant is classified as a Variant of Uncertain Significance.

This study involves interpretation of variants in research participants for the purpose of population health screening. Participant phenotype was not available at the time of variant classification. Additional details can be found in publication PMID: 35346344, PMCID: PMC8962531

Ambry Genetics
Classification: Uncertain significance for Hereditary cancer-predisposing syndrome. Last evaluated: 2024-05-24. Review status: criteria provided, single submitter. Criteria: Ambry Variant Classification Scheme 2023. Collection method: clinical testing. Allele origin: germline.
Comment: The p.E1010G variant (also known as c.3029A>G), located in coding exon 21 of the TSC1 gene, results from an A to G substitution at nucleotide position 3029. The glutamic acid at codon 1010 is replaced by glycine, an amino acid with similar properties. This amino acid position is conserved. In addition, this alteration is predicted to be tolerated by in silico analysis. Based on the available evidence, the clinical significance of this variant remains unclear.